The following is an entry in ClinVar:

ClinVar aggregate classification (germline): Conflicting classifications of pathogenicity. Review status: criteria provided, conflicting classifications (1 of 4 stars). 4 submissions from 4 submitters: Uncertain significance (2); Likely benign (1). 1 of the submissions does not count toward it. Last evaluated 2025-07-28.

Conditions:
Hereditary cancer-predisposing syndrome. Also called: Tumor predisposition; Hereditary Cancer Syndrome; Neoplastic Syndromes, Hereditary; Hereditary neoplastic syndrome. Identifiers: Orphanet 140162, MedGen C0027672, MeSH D009386, MONDO:0015356.
Hereditary breast ovarian cancer syndrome. Also called: Hereditary breast and ovarian cancer; Breast and ovarian cancer; Hereditary breast and/or ovarian cancer syndrome; BRCA1- and BRCA2-Associated Hereditary Breast and Ovarian Cancer; Hereditary breast and ovarian cancer syndrome; Hereditary breast and ovarian cancer syndrome (HBOC). Identifiers: Orphanet 145, MedGen C0677776, MeSH D061325, MONDO:0003582. Disease mechanism: loss of function.
Breast-ovarian cancer, familial, susceptibility to, 2 (BROVCA2). Also called: BRCA2 Hereditary Breast and Ovarian Cancer. Identifiers: Orphanet 145, MedGen C2675520, MONDO:0012933, OMIM 612555. Disease mechanism: loss of function.

Allele frequency attached by ClinVar (database versions not stated): gnomAD 0.00001; TOPMed 0.00001.
gnomAD v4.1: 1 of 1,588,556 alleles (0.000063%); highest among the groups gnomAD compares: African/African-American, 0.0014%; no homozygotes.

Submissions (4):

Ambry Genetics
Classification: Uncertain significance for Hereditary cancer-predisposing syndrome. Last evaluated: 2025-07-28. Review status: criteria provided, single submitter. Criteria: Ambry Variant Classification Scheme 2023. Collection method: clinical testing. Allele origin: germline.
Comment: The p.K322N variant (also known as c.966A>C), located in coding exon 9 of the BRCA2 gene, results from an A to C substitution at nucleotide position 966. The lysine at codon 322 is replaced by asparagine, an amino acid with similar properties. This amino acid position is well conserved in available vertebrate species. In addition, this alteration is predicted to be tolerated by in silico analysis. Since supporting evidence is limited at this time, the clinical significance of this alteration remains unclear.

University of Washington Department of Laboratory Medicine, University of Washington
Classification: Likely benign for Hereditary cancer-predisposing syndrome. Last evaluated: 2023-03-23. Review status: criteria provided, single submitter. Criteria: Dines et al. (Genet Med. 2020). Collection method: curation. Allele origin: germline.
Comment: Missense variant in a coldspot region where missense variants are very unlikely to be pathogenic (PMID:31911673).

BRCA2 exon 10 coldspot. Reclassification based on statistical prior probability.

Labcorp Genetics (formerly Invitae), Labcorp
Classification: Uncertain significance for Hereditary breast ovarian cancer syndrome. Last evaluated: 2020-10-28. Review status: criteria provided, single submitter. Criteria: Invitae Variant Classification Sherloc (09022015). Collection method: clinical testing. Allele origin: germline.
Comment: In summary, the available evidence is currently insufficient to determine the role of this variant in disease. Therefore, it has been classified as a Variant of Uncertain Significance. This variant has not been reported in the literature in individuals with BRCA2-related disease. ClinVar contains an entry for this variant (Variation ID: 252860). Algorithms developed to predict the effect of missense changes on protein structure and function are either unavailable or do not agree on the potential impact of this missense change (SIFT: "Deleterious"; PolyPhen-2: "Probably Damaging"; Align-GVGD: "Class C0"). This sequence change replaces lysine with asparagine at codon 322 of the BRCA2 protein (p.Lys322Asn). The lysine residue is highly conserved and there is a moderate physicochemical difference between lysine and asparagine. This variant is not present in population databases (ExAC no frequency).

Sharing Clinical Reports Project (SCRP)
Classification: Uncertain significance for Breast-ovarian cancer, familial 2. Last evaluated: 2009-11-13. Review status: no assertion criteria provided. Collection method: clinical testing. Allele origin: germline. Not counted in ClinVar's aggregate classification.

NM_000059.4(BRCA2):c.966A>C (p.Lys322Asn)

Gene: BRCA2 (BRCA2 DNA repair associated; plus strand). Cytogenetic location: 13q13.1.
Variant type: single nucleotide variant.
Coding change: c.966A>C on transcript NM_000059.4 (MANE Select); coding-DNA position 966, A replaced by C.
Protein change: p.Lys322Asn; replaces lysine 322 with asparagine.
Molecular consequence: missense variant.
Genome position (GRCh38, 1-based): chr13:32,332,444, A>C. VCF-style: chr13-32332444-A-C. GRCh37 (hg19) VCF-style: chr13-32906581-A-C.
Other names: 1194A>C; short protein forms K322N.
Identifiers: ClinVar variation 252860 (VCV000252860.15), dbSNP rs879255473, ClinGen allele CA10586090.